The following is an entry in ClinVar:

ClinVar aggregate classification (germline): Uncertain significance (1 of 4 stars; one submission).

Allele frequency attached by ClinVar (database versions not stated): TOPMed below 0.00001; gnomAD 0.00001.
gnomAD v4.1: 2 of 1,582,376 alleles (0.00013%); highest among the groups gnomAD compares: Non-Finnish European, 0.00017%; no homozygotes.

Submission:

Labcorp Genetics (formerly Invitae), Labcorp
Classification: Uncertain significance. Last evaluated: 2021-08-02. Review status: criteria provided, single submitter. Criteria: Invitae Variant Classification Sherloc (09022015). Collection method: clinical testing. Allele origin: germline.
Comment: This sequence change replaces arginine with threonine at codon 539 of the CERKL protein (p.Arg539Thr). The arginine residue is moderately conserved and there is a moderate physicochemical difference between arginine and threonine. This variant also falls at the last nucleotide of exon 13, which is part of the consensus splice site for this exon. This variant is not present in population databases (ExAC no frequency). This variant has been observed in individual(s) with clinical features of CERKL-related conditions (Invitae). Algorithms developed to predict the effect of missense changes on protein structure and function are either unavailable or do not agree on the potential impact of this missense change (SIFT: "Deleterious"; PolyPhen-2: "Possibly Damaging"; Align-GVGD: "Class C0"). Nucleotide substitutions within the consensus splice site are a relatively common cause of aberrant splicing (PMID: 17576681, 9536098). In summary, the available evidence is currently insufficient to determine the role of this variant in disease. Therefore, it has been classified as a Variant of Uncertain Significance.

Literature cited by the submitters: PubMed 17576681; PubMed 9536098.

NM_201548.5(CERKL):c.1538G>C (p.Arg513Thr)

Gene: CERKL (CERK like autophagy regulator; minus strand). Cytogenetic location: 2q31.3.
Variant type: single nucleotide variant.
Coding change: c.1538G>C on transcript NM_201548.5 (MANE Select); coding-DNA position 1538, G replaced by C.
Protein change: p.Arg513Thr; replaces arginine 513 with threonine.
Molecular consequence: missense variant. On other transcripts: non-coding transcript variant (2).
Genome position (GRCh38, 1-based): chr2:181,539,092, C>G on the plus strand (G>C on the coding strand, the complement: CERKL is on the minus strand). VCF-style: chr2-181539092-C-G. GRCh37 (hg19) VCF-style: chr2-182403819-C-G.
Other names: c.1616G>C, p.Arg539Thr (NM_001030311.3); c.1199G>C, p.Arg400Thr (NM_001030312.3); c.1331G>C, p.Arg444Thr (NM_001030313.3); c.*820G>C (NM_001030314.1, NM_001030315.1); c.1484G>C, p.Arg495Thr (NM_001160277.2); short protein forms R444T, R513T, R495T, R539T, R400T.
Identifiers: ClinVar variation 1979883 (VCV001979883.1), dbSNP rs1456624724, ClinGen allele CA349732913.